The following is an entry in ClinVar:

ClinVar aggregate classification (germline): Likely benign (1 of 4 stars; one submission).

Conditions:
Hereditary diffuse gastric adenocarcinoma (HDGC). Also called: DIFFUSE GASTRIC AND LOBULAR BREAST CANCER SYNDROME. Identifiers: Orphanet 26106, MedGen C1708349, MONDO:0007648, OMIM 137215.

Submission:

Myriad Genetics, Inc.
Classification: Likely benign for Hereditary diffuse gastric adenocarcinoma. Last evaluated: 2024-09-20. Review status: criteria provided, single submitter. Criteria: Myriad Autosomal Dominant, Autosomal Recessive and X-Linked Classification Criteria (2023). Collection method: clinical testing. Allele origin: unknown.
Comment: This variant is considered likely benign. This variant is intronic and is not expected to impact mRNA splicing.

NM_004360.5(CDH1):c.2165-11del

Gene: CDH1 (cadherin 1; plus strand). Cytogenetic location: 16q22.1.
Variant type: Deletion.
Coding change: c.2165-11del on transcript NM_004360.5 (MANE Select); 11 bases into the intron before coding-DNA position 2165, one base deleted (C; older notation c.2165-11delC).
Molecular consequence: intron variant.
Genome position (GRCh38, 1-based): chr16:68,828,163, C deleted; the last of 5 consecutive C bases (chr16:68,828,159-68,828,163); deleting any one gives the same sequence. VCF-style (leftmost placement, unchanged base first): chr16-68828158-TC-T. GRCh37 (hg19) VCF-style: chr16-68862061-TC-T.
Other names: c.617-11del (NM_001317185.2); c.200-11del (NM_001317186.2); c.1982-11del (NM_001317184.2).
Identifiers: ClinVar variation 3379321 (VCV003379321.1).